The following is an entry in ClinVar:

NM_002519.3(NPAT):c.1856G>T (p.Gly619Val)

Gene: NPAT (nuclear protein, coactivator of histone transcription; minus strand). Cytogenetic location: 11q22.3.
Variant type: single nucleotide variant.
Coding change: c.1856G>T on transcript NM_002519.3 (MANE Select); coding-DNA position 1856, G replaced by T.
Protein change: p.Gly619Val; replaces glycine 619 with valine.
Molecular consequence: missense variant.
Genome position (GRCh38, 1-based): chr11:108,173,128, C>A on the plus strand (G>T on the coding strand, the complement: NPAT is on the minus strand). VCF-style: chr11-108173128-C-A. GRCh37 (hg19) VCF-style: chr11-108043855-C-A.
Other names: c.1856G>T, p.Gly619Val (NM_001321307.1); short protein forms G619V.
Identifiers: ClinVar variation 1781413 (VCV001781413.3), dbSNP rs1208146872, ClinGen allele CA382514204.

ClinVar aggregate classification (germline): Uncertain significance (1 of 4 stars; one submission).

Allele frequency attached by ClinVar (database versions not stated): gnomAD exomes below 0.00001.

Submission:

Ambry Genetics
Classification: Uncertain significance. Last evaluated: 2022-10-31. Review status: criteria provided, single submitter. Criteria: Ambry Variant Classification Scheme 2023. Collection method: clinical testing. Allele origin: germline.
Comment: The p.G619V variant (also known as c.1856G>T), located in coding exon 13 of the NPAT gene, results from a G to T substitution at nucleotide position 1856. The glycine at codon 619 is replaced by valine, an amino acid with dissimilar properties. This amino acid position is conserved. In addition, this alteration is predicted to be tolerated by in silico analysis. Since supporting evidence is limited at this time, the clinical significance of this alteration remains unclear.